The following is an entry in ClinVar:

ClinVar aggregate classification (germline): Uncertain significance. Review status: criteria provided, multiple submitters, no conflicts (2 of 4 stars). 3 submissions from 3 submitters: Uncertain significance (3). Last evaluated 2022-03-06.

Allele frequency attached by ClinVar (database versions not stated): gnomAD exomes below 0.00001; TOPMed 0.00001.
gnomAD v4.1: 1 of 1,211,870 alleles (0.000083%); highest among the groups gnomAD compares: Non-Finnish European, 0.00011%; no homozygotes.

Submissions (3):

Labcorp Genetics (formerly Invitae), Labcorp
Classification: Uncertain significance. Last evaluated: 2022-03-06. Review status: criteria provided, single submitter. Criteria: Invitae Variant Classification Sherloc (09022015). Collection method: clinical testing. Allele origin: germline.
Comment: In summary, the available evidence is currently insufficient to determine the role of this variant in disease. Therefore, it has been classified as a Variant of Uncertain Significance. Algorithms developed to predict the effect of missense changes on protein structure and function are either unavailable or do not agree on the potential impact of this missense change (SIFT: "Deleterious"; PolyPhen-2: "Benign"; Align-GVGD: "Class C0"). ClinVar contains an entry for this variant (Variation ID: 435601). This variant has not been reported in the literature in individuals affected with NEXMIF-related conditions. This variant is not present in population databases (gnomAD no frequency). This sequence change replaces asparagine, which is neutral and polar, with lysine, which is basic and polar, at codon 802 of the NEXMIF protein (p.Asn802Lys).

Blueprint Genetics
Classification: Uncertain significance. Last evaluated: 2021-02-26. Review status: criteria provided, single submitter. Criteria: ACMG Guidelines, 2015. Collection method: clinical testing. Allele origin: germline.

Genetic Services Laboratory, University of Chicago
Classification: Uncertain significance. Last evaluated: 2016-10-28. Review status: criteria provided, single submitter. Criteria: ACMG Guidelines, 2015. Collection method: clinical testing. Allele origin: germline. Affected: no.

NM_001008537.3(NEXMIF):c.2406T>A (p.Asn802Lys)

Gene: NEXMIF (neurite extension and migration factor; minus strand). Cytogenetic location: Xq13.3.
Variant type: single nucleotide variant.
Coding change: c.2406T>A on transcript NM_001008537.3 (MANE Select); coding-DNA position 2406, T replaced by A.
Protein change: p.Asn802Lys; replaces asparagine 802 with lysine.
Molecular consequence: missense variant.
Genome position (GRCh38, 1-based): chrX:74,742,151, A>T on the plus strand (T>A on the coding strand, the complement: NEXMIF is on the minus strand). VCF-style: chrX-74742151-A-T. GRCh37 (hg19) VCF-style: chrX-73961986-A-T.
Other names: short protein forms N802K.
Identifiers: ClinVar variation 435601 (VCV000435601.11), dbSNP rs1307046706, ClinGen allele CA413668292.